The following is an entry in ClinVar:

NM_000969.5(RPL5):c.160C>T (p.Arg54Cys)

Genes: DIPK1A (divergent protein kinase domain 1A; minus strand), RPL5 (ribosomal protein L5; plus strand). Cytogenetic location: 1p22.1.
Variant type: single nucleotide variant.
Coding change: c.160C>T on transcript NM_000969.5 (MANE Select); coding-DNA position 160, C replaced by T.
Protein change: p.Arg54Cys; replaces arginine 54 with cysteine.
Molecular consequence: missense variant. On other transcripts: non-coding transcript variant (1), intron variant (1).
Genome position (GRCh38, 1-based): chr1:92,833,631, C>T. VCF-style: chr1-92833631-C-T. GRCh37 (hg19) VCF-style: chr1-93299188-C-T.
Other names: c.475-597G>A (NM_001252273.2); short protein forms R54C.
Identifiers: ClinVar variation 3702690 (VCV003702690.2).

ClinVar aggregate classification (germline): Uncertain significance (1 of 4 stars; one submission).

Conditions:
Diamond-Blackfan anemia. Also called: Blackfan Diamond syndrome; Aregenerative anemia chronic congenital; Red cell aplasia, pure hereditary; Congenital hypoplastic anemia; Aase syndrome. Identifiers: Orphanet 124, MedGen C1260899, MeSH D029503, MONDO:0015253, HP:0004810.

gnomAD v4.1: 4 of 1,611,936 alleles (0.00025%); highest among the groups gnomAD compares: Non-Finnish European, 0.00034%; no homozygotes.

Submission:

Labcorp Genetics (formerly Invitae), Labcorp
Classification: Uncertain significance for Diamond-Blackfan anemia. Last evaluated: 2024-03-19. Review status: criteria provided, single submitter. Criteria: Invitae Variant Classification Sherloc (09022015). Collection method: clinical testing. Allele origin: germline.
Comment: This sequence change replaces arginine, which is basic and polar, with cysteine, which is neutral and slightly polar, at codon 54 of the RPL5 protein (p.Arg54Cys). This variant is present in population databases (rs764649729, gnomAD 0.002%). This variant has not been reported in the literature in individuals affected with RPL5-related conditions. Advanced modeling of protein sequence and biophysical properties (such as structural, functional, and spatial information, amino acid conservation, physicochemical variation, residue mobility, and thermodynamic stability) performed at Invitae indicates that this missense variant is expected to disrupt RPL5 protein function with a positive predictive value of 80%. In summary, the available evidence is currently insufficient to determine the role of this variant in disease. Therefore, it has been classified as a Variant of Uncertain Significance.